The following is an entry in ClinVar:

ClinVar aggregate classification (germline): Conflicting classifications of pathogenicity. Review status: criteria provided, conflicting classifications (1 of 4 stars). 5 submissions from 5 submitters: Pathogenic (1); Likely pathogenic (3); Uncertain significance (1). Last evaluated 2025-12-27.

Conditions:
Juvenile myelomonocytic leukemia (JMML). Also called: LEUKEMIA, JUVENILE MYELOMONOCYTIC, SOMATIC. Identifiers: Orphanet 86834, MedGen C0349639, MONDO:0011908, OMIM 607785, HP:0012209.
Neurofibromatosis, type 1 (NF1). Also called: NEUROFIBROMATOSIS, TYPE I, SOMATIC; VON RECKLINGHAUSEN DISEASE; Peripheral type neurofibromatosis; Neurofibromatosis, type I. Identifiers: Orphanet 636, MedGen C0027831, MONDO:0018975, OMIM 162200. Disease mechanism: loss of function.

Allele frequency attached by ClinVar (database versions not stated): TOPMed below 0.00001.

Submissions (5):

Labcorp Genetics (formerly Invitae), Labcorp
Classification: Pathogenic for Neurofibromatosis, type 1. Last evaluated: 2025-12-27. Review status: criteria provided, single submitter. Criteria: Invitae Variant Classification Sherloc (09022015). Collection method: clinical testing. Allele origin: germline.
Comment: This sequence change replaces proline, which is neutral and non-polar, with leucine, which is neutral and non-polar, at codon 1084 of the NF1 protein (p.Pro1084Leu). This variant is not present in population databases (gnomAD no frequency). This missense change has been observed in individual(s) with clinical features of neurofibromatosis type 1 (internal data). Invitae Evidence Modeling of clinical and family history, age, sex, and reported ancestry of multiple individuals with this NF1 variant has been performed. This variant is expected to be pathogenic with a positive predictive value of at least 99%. This is a validated machine learning model that incorporates the clinical features of 1,785,918 individuals referred to our laboratory for NF1 testing. ClinVar contains an entry for this variant (Variation ID: 547623). Invitae Evidence Modeling of protein sequence and biophysical properties (such as structural, functional, and spatial information, amino acid conservation, physicochemical variation, residue mobility, and thermodynamic stability) indicates that this missense variant is expected to disrupt NF1 protein function with a positive predictive value of 95%. This variant disrupts the p.Pro1084 amino acid residue in NF1. Other variant(s) that disrupt this residue have been determined to be pathogenic (PMID: 23656349, 30014477; internal data). This suggests that this residue is clinically significant, and that variants that disrupt this residue are likely to be disease-causing. For these reasons, this variant has been classified as Pathogenic.

GeneDx
Classification: Likely pathogenic. Last evaluated: 2023-08-02. Review status: criteria provided, single submitter. Criteria: GeneDx Variant Classification Process June 2021. Collection method: clinical testing. Allele origin: germline. Affected: yes.
Comment: Not observed at significant frequency in large population cohorts (gnomAD); In silico analysis supports that this missense variant has a deleterious effect on protein structure/function; Has not been previously published as pathogenic or benign to our knowledge; This variant is associated with the following publications: (PMID: 30014477, 25486365, 2121369, 23656349)

Baylor Genetics
Classification: Uncertain significance for Juvenile myelomonocytic leukemia. Last evaluated: 2023-05-18. Review status: criteria provided, single submitter. Criteria: ACMG Guidelines, 2015. Collection method: clinical testing. Allele origin: unknown.

Genome-Nilou Lab
Classification: Likely pathogenic for Neurofibromatosis, type 1. Last evaluated: 2022-03-15. Review status: criteria provided, single submitter. Criteria: ACMG Guidelines, 2015. Collection method: clinical testing. Allele origin: germline. Affected: no.

Center for Human Genetics, Inc
Classification: Likely pathogenic for Neurofibromatosis, type 1. Last evaluated: 2016-11-01. Review status: criteria provided, single submitter. Criteria: ACMG Guidelines, 2015. Collection method: clinical testing. Allele origin: germline. Affected: yes.

Literature cited by the submitters: PubMed 23656349 (cited by Labcorp Genetics (formerly Invitae), Labcorp); PubMed 30014477 (cited by Labcorp Genetics (formerly Invitae), Labcorp).

NM_001042492.3(NF1):c.3251C>T (p.Pro1084Leu)

Gene: NF1 (neurofibromin 1; plus strand). Cytogenetic location: 17q11.2.
Variant type: single nucleotide variant.
Coding change: c.3251C>T on transcript NM_001042492.3 (MANE Select); coding-DNA position 3251, C replaced by T.
Protein change: p.Pro1084Leu; replaces proline 1084 with leucine.
Molecular consequence: missense variant.
Genome position (GRCh38, 1-based): chr17:31,232,126, C>T. VCF-style: chr17-31232126-C-T. GRCh37 (hg19) VCF-style: chr17-29559144-C-T.
Other names: c.3251C>T, p.Pro1084Leu (NM_000267.4); short protein forms P1084L.
Identifiers: ClinVar variation 547623 (VCV000547623.9), dbSNP rs1164081667, ClinGen allele CA398988801.